The following is an entry in ClinVar:

NM_001759.4(CCND2):c.33C>T (p.Val11=)

Genes: CCND2 (cyclin D2; plus strand), CCND2-AS1 (CCND2 antisense RNA 1; minus strand). Cytogenetic location: 12p13.32.
Variant type: single nucleotide variant.
Coding change: c.33C>T on transcript NM_001759.4 (MANE Select); coding-DNA position 33, C replaced by T.
Protein change: p.Val11=; no amino-acid change (valine 11 retained).
Molecular consequence: synonymous variant.
Genome position (GRCh38, 1-based): chr12:4,274,073, C>T. VCF-style: chr12-4274073-C-T. GRCh37 (hg19) VCF-style: chr12-4383239-C-T.
Identifiers: ClinVar variation 3036591 (VCV003036591.2), dbSNP rs371641860, ClinGen allele CA6395141.

ClinVar aggregate classification (germline): Likely benign (0 of 4 stars; one submission).

Conditions:
CCND2-related disorder. Also called: CCND2-related condition.

Allele frequency attached by ClinVar (database versions not stated): gnomAD exomes below 0.00001; ExAC 0.00001; TOPMed 0.00001; ESP Exome Variant Server 0.00008.
gnomAD v4.1: 2 of 1,612,884 alleles (0.00012%); highest among the groups gnomAD compares: Middle Eastern, 0.017%; no homozygotes.

Submission:

PreventionGenetics, part of Exact Sciences
Classification: Likely benign for CCND2-related condition. Last evaluated: 2024-01-11. Review status: no assertion criteria provided. Collection method: clinical testing. Allele origin: germline.
Comment: This variant is classified as likely benign based on ACMG/AMP sequence variant interpretation guidelines (Richards et al. 2015 PMID: 25741868, with internal and published modifications).